The following is an entry in ClinVar:

ClinVar aggregate classification (germline): Uncertain significance (1 of 4 stars; one submission).

Allele frequency attached by ClinVar (database versions not stated): gnomAD exomes below 0.00001.
gnomAD v4.1: 2 of 1,614,110 alleles (0.00012%); highest among the groups gnomAD compares: South Asian, 0.0022%; no homozygotes.

Submission:

Labcorp Genetics (formerly Invitae), Labcorp
Classification: Uncertain significance. Last evaluated: 2023-06-29. Review status: criteria provided, single submitter. Criteria: Invitae Variant Classification Sherloc (09022015). Collection method: clinical testing. Allele origin: germline.
Comment: This sequence change replaces tyrosine, which is neutral and polar, with histidine, which is basic and polar, at codon 483 of the DEAF1 protein (p.Tyr483His). This variant is not present in population databases (gnomAD no frequency). This variant has not been reported in the literature in individuals affected with DEAF1-related conditions. ClinVar contains an entry for this variant (Variation ID: 1948225). Advanced modeling of protein sequence and biophysical properties (such as structural, functional, and spatial information, amino acid conservation, physicochemical variation, residue mobility, and thermodynamic stability) performed at Invitae indicates that this missense variant is not expected to disrupt DEAF1 protein function. In summary, the available evidence is currently insufficient to determine the role of this variant in disease. Therefore, it has been classified as a Variant of Uncertain Significance.

NM_021008.4(DEAF1):c.1447T>C (p.Tyr483His)

Genes: DEAF1 (DEAF1 transcription factor; minus strand), LOC126861109 (BRD4-independent group 4 enhancer GRCh37_chr11:673917-675116; plus strand). Cytogenetic location: 11p15.5.
Variant type: single nucleotide variant.
Coding change: c.1447T>C on transcript NM_021008.4 (MANE Select); coding-DNA position 1447, T replaced by C.
Protein change: p.Tyr483His; replaces tyrosine 483 with histidine.
Molecular consequence: missense variant.
Genome position (GRCh38, 1-based): chr11:674,592, A>G on the plus strand (T>C on the coding strand, the complement: DEAF1 is on the minus strand). VCF-style: chr11-674592-A-G. GRCh37 (hg19) VCF-style: chr11-674592-A-G.
Other names: c.1180T>C, p.Tyr394His (NM_001293634.2); c.721T>C, p.Tyr241His (NM_001367390.1); short protein forms Y241H, Y394H, Y483H.
Identifiers: ClinVar variation 1948225 (VCV001948225.5), dbSNP rs2494378735, ClinGen allele CA378923432.
Genomic context (GRCh38, chr11:674,592, plus strand): 5'-TTACCTCCTTCCGCTCTGCGTCAGCGTGGATCTTGGCCTGGTTTGTGGCAGCTTCTCGGT[A>G]GGTGCTGGCATGCTTGGCTTGCTCAAACAGCGTCTTCAGCTGCTGCGCTGTGTTGAGCAA-3'
Protein context (NP_066288.2, residues 473-493): LFEQAKHAST[Tyr483His]REAATNQAKI